The following is an entry in ClinVar:

ClinVar aggregate classification (germline): Uncertain significance (1 of 4 stars; one submission).

Submission:

GeneDx
Classification: Uncertain significance. Last evaluated: 2020-02-19. Review status: criteria provided, single submitter. Criteria: GeneDx Variant Classification Process June 2021. Collection method: clinical testing. Allele origin: germline. Affected: yes.
Comment: Not observed at a significant frequency in large population cohorts (Lek et al., 2016); In silico analysis supports that this missense variant does not alter protein structure/function; Has not been previously published as pathogenic or benign to our knowledge

NM_006946.4(SPTBN2):c.2369G>A (p.Arg790Gln)

Gene: SPTBN2 (spectrin beta, non-erythrocytic 2; minus strand). Cytogenetic location: 11q13.2.
Variant type: single nucleotide variant.
Coding change: c.2369G>A on transcript NM_006946.4 (MANE Select); coding-DNA position 2369, G replaced by A.
Protein change: p.Arg790Gln; replaces arginine 790 with glutamine.
Molecular consequence: missense variant.
Genome position (GRCh38, 1-based): chr11:66,704,907, C>T on the plus strand (G>A on the coding strand, the complement: SPTBN2 is on the minus strand). VCF-style: chr11-66704907-C-T. GRCh37 (hg19) VCF-style: chr11-66472378-C-T.
Other names: short protein forms R790Q.
Identifiers: ClinVar variation 1303394 (VCV001303394.2), dbSNP rs750536532, ClinGen allele CA381477890.